The following is an entry in ClinVar:

ClinVar aggregate classification (germline): Uncertain significance (1 of 4 stars; one submission).

Submission:

Ambry Genetics
Classification: Uncertain significance. Last evaluated: 2025-01-18. Review status: criteria provided, single submitter. Criteria: Ambry Variant Classification Scheme 2023. Collection method: clinical testing. Allele origin: germline.
Comment: The p.S83N variant (also known as c.248G>A), located in coding exon 2 of the GFI1 gene, results from a G to A substitution at nucleotide position 248. The serine at codon 83 is replaced by asparagine, an amino acid with highly similar properties. This amino acid position is conserved. In addition, this alteration is predicted to be tolerated by in silico analysis. Based on the available evidence, the clinical significance of this variant remains unclear.

NM_005263.5(GFI1):c.248G>A (p.Ser83Asn)

Gene: GFI1 (growth factor independent 1 transcriptional repressor; minus strand). Cytogenetic location: 1p22.1.
Variant type: single nucleotide variant.
Coding change: c.248G>A on transcript NM_005263.5 (MANE Select); coding-DNA position 248, G replaced by A.
Protein change: p.Ser83Asn; replaces serine 83 with asparagine.
Molecular consequence: missense variant.
Genome position (GRCh38, 1-based): chr1:92,482,914, C>T on the plus strand (G>A on the coding strand, the complement: GFI1 is on the minus strand). VCF-style: chr1-92482914-C-T. GRCh37 (hg19) VCF-style: chr1-92948471-C-T.
Other names: c.248G>A, p.Ser83Asn (NM_001127215.3, NM_001127216.3); short protein forms S83N.
Identifiers: ClinVar variation 3853689 (VCV003853689.1).